The following is an entry in ClinVar:

NM_004341.5(CAD):c.5176G>C (p.Asp1726His)

Gene: CAD (carbamoyl-phosphate synthetase 2, aspartate transcarbamylase, and dihydroorotase; plus strand). Cytogenetic location: 2p23.3.
Variant type: single nucleotide variant.
Coding change: c.5176G>C on transcript NM_004341.5 (MANE Select); coding-DNA position 5176, G replaced by C.
Protein change: p.Asp1726His; replaces aspartic acid 1726 with histidine.
Molecular consequence: missense variant.
Genome position (GRCh38, 1-based): chr2:27,239,155, G>C. VCF-style: chr2-27239155-G-C. GRCh37 (hg19) VCF-style: chr2-27462023-G-C.
Other names: c.4987G>C, p.Asp1663His (NM_001306079.2); short protein forms D1663H, D1726H.
Identifiers: ClinVar variation 1352850 (VCV001352850.8), dbSNP rs2148091169, ClinGen allele CA346222272.

ClinVar aggregate classification (germline): Uncertain significance (1 of 4 stars; one submission).

Submission:

Labcorp Genetics (formerly Invitae), Labcorp
Classification: Uncertain significance. Last evaluated: 2022-07-06. Review status: criteria provided, single submitter. Criteria: Invitae Variant Classification Sherloc (09022015). Collection method: clinical testing. Allele origin: germline.
Comment: ClinVar contains an entry for this variant (Variation ID: 1352850). This sequence change replaces aspartic acid, which is acidic and polar, with histidine, which is basic and polar, at codon 1726 of the CAD protein (p.Asp1726His). This variant is not present in population databases (gnomAD no frequency). This variant has not been reported in the literature in individuals affected with CAD-related conditions. Algorithms developed to predict the effect of missense changes on protein structure and function are either unavailable or do not agree on the potential impact of this missense change (SIFT: "Deleterious"; PolyPhen-2: "Probably Damaging"; Align-GVGD: "Class C0"). In summary, the available evidence is currently insufficient to determine the role of this variant in disease. Therefore, it has been classified as a Variant of Uncertain Significance.